The following is an entry in ClinVar:

ClinVar aggregate classification (germline): Uncertain significance (1 of 4 stars; one submission).

Submission:

Labcorp Genetics (formerly Invitae), Labcorp
Classification: Uncertain significance. Last evaluated: 2022-09-26. Review status: criteria provided, single submitter. Criteria: Invitae Variant Classification Sherloc (09022015). Collection method: clinical testing. Allele origin: germline.
Comment: This sequence change replaces glycine, which is neutral and non-polar, with alanine, which is neutral and non-polar, at codon 1641 of the COL27A1 protein (p.Gly1641Ala). This variant is not present in population databases (gnomAD no frequency). This variant has not been reported in the literature in individuals affected with COL27A1-related conditions. Advanced modeling of protein sequence and biophysical properties (such as structural, functional, and spatial information, amino acid conservation, physicochemical variation, residue mobility, and thermodynamic stability) performed at Invitae indicates that this missense variant is not expected to disrupt COL27A1 protein function. In summary, the available evidence is currently insufficient to determine the role of this variant in disease. Therefore, it has been classified as a Variant of Uncertain Significance.

NM_032888.4(COL27A1):c.4922G>C (p.Gly1641Ala)

Gene: COL27A1 (collagen type XXVII alpha 1 chain; plus strand). Cytogenetic location: 9q32.
Variant type: single nucleotide variant.
Coding change: c.4922G>C on transcript NM_032888.4 (MANE Select); coding-DNA position 4922, G replaced by C.
Protein change: p.Gly1641Ala; replaces glycine 1641 with alanine.
Molecular consequence: missense variant.
Genome position (GRCh38, 1-based): chr9:114,304,657, G>C. VCF-style: chr9-114304657-G-C. GRCh37 (hg19) VCF-style: chr9-117066937-G-C.
Other names: short protein forms G1641A.
Identifiers: ClinVar variation 1720402 (VCV001720402.5), dbSNP rs2490382153, ClinGen allele CA374594940.